The following is an entry in ClinVar:

NM_001267550.2(TTN):c.6344G>C (p.Gly2115Ala)

Gene: TTN (titin; minus strand). Cytogenetic location: 2q31.2.
Variant type: single nucleotide variant.
Coding change: c.6344G>C on transcript NM_001267550.2 (MANE Select); coding-DNA position 6344, G replaced by C.
Protein change: p.Gly2115Ala; replaces glycine 2115 with alanine.
Molecular consequence: missense variant.
Genome position (GRCh38, 1-based): chr2:178,775,520, C>G on the plus strand (G>C on the coding strand, the complement: TTN is on the minus strand). VCF-style: chr2-178775520-C-G. GRCh37 (hg19) VCF-style: chr2-179640247-C-G.
Other names: c.6344G>C, p.Gly2115Ala (NM_001256850.1, NM_133378.4, NM_133379.5); c.6206G>C, p.Gly2069Ala (NM_003319.4, NM_133432.3, NM_133437.4); short protein forms G2069A, G2115A.
Identifiers: ClinVar variation 3766011 (VCV003766011.1).

ClinVar aggregate classification (germline): Uncertain significance (1 of 4 stars; one submission).

gnomAD v4.1: 1 of 1,613,990 alleles (0.000062%); highest among the groups gnomAD compares: Non-Finnish European, 0.000085%; no homozygotes.

Submission:

GeneDx
Classification: Uncertain significance. Last evaluated: 2024-09-03. Review status: criteria provided, single submitter. Criteria: GeneDx Variant Classification Process June 2021. Collection method: clinical testing. Allele origin: germline. Affected: yes.
Comment: Has not been previously published as pathogenic or benign to our knowledge; Not observed at significant frequency in large population cohorts (gnomAD); Missense variant in a gene in which most reported pathogenic variants are truncating/loss of function